The following is an entry in ClinVar:

ClinVar aggregate classification (germline): Uncertain significance (1 of 4 stars; one submission).

Conditions:
Dyskeratosis congenita. Identifiers: Orphanet 1775, MedGen C0265965, MONDO:0015780.

Submission:

Labcorp Genetics (formerly Invitae), Labcorp
Classification: Uncertain significance for Dyskeratosis congenita. Last evaluated: 2025-12-06. Review status: criteria provided, single submitter. Criteria: Invitae Variant Classification Sherloc (09022015). Collection method: clinical testing. Allele origin: germline.
Comment: This sequence change creates a premature translational stop signal (p.Thr275Leufs*42) in the TINF2 gene. It is expected to result in an absent or disrupted protein product. However, the current clinical and genetic evidence is not sufficient to establish whether loss-of-function variants in TINF2 cause disease. This variant is not present in population databases (gnomAD no frequency). This variant has not been reported in the literature in individuals affected with TINF2-related conditions. In summary, the available evidence is currently insufficient to determine the role of this variant in disease. Therefore, it has been classified as a Variant of Uncertain Significance.

NM_001099274.3(TINF2):c.822del (p.Thr275fs)

Gene: TINF2 (TERF1 interacting nuclear factor 2; minus strand). Cytogenetic location: 14q12.
Variant type: Deletion.
Coding change: c.822del on transcript NM_001099274.3 (MANE Select); coding-DNA position 822, one base deleted (C; older notation c.822delC).
Protein change: p.Thr275fs; shifts the reading frame from threonine 275.
Molecular consequence: frameshift variant.
Genome position (GRCh38, 1-based): chr14:24,240,658, G deleted on the plus strand (C on the coding strand, the reverse complement: TINF2 is on the minus strand); the first of 2 consecutive G bases (chr14:24,240,658-24,240,659); deleting either gives the same sequence. VCF-style (leftmost placement, unchanged base first): chr14-24240657-TG-T. GRCh37 (hg19) VCF-style: chr14-24709863-TG-T.
Other names: c.717del, p.Thr240fs (NM_001363668.2); c.822del, p.Thr275fs (NM_012461.3); short protein forms T275fs, T240fs.
Identifiers: ClinVar variation 4732651 (VCV004732651.1).
Genomic context (GRCh38, chr14:24,240,657, plus strand): 5'-AGCCGAGATTCCTAAAGGGAAACAGCATGACTGTGGGGCGCTCCTTATGGCCTCCCCTAG[TG>T]GAGGCCCATTGGGACTGAACTCTTCGTCGGCCTAGAGGGGCCAGATTGAAGTGTCGGCCA-3'